The following is an entry in ClinVar:

ClinVar aggregate classification (germline): Likely benign. Review status: reviewed by expert panel (3 of 4 stars). 4 submissions from 4 submitters: Likely benign (1). 3 of the submissions do not count toward it. Last evaluated 2026-01-28.

Conditions:
Developmental and epileptic encephalopathy, 2 (DEE2). Also called: INFANTILE SPASM SYNDROME, X-LINKED 2; CDKL5 deficiency disorder. Identifiers: Orphanet 1934, Orphanet 3451, Orphanet 505652, MedGen C4750718, MONDO:0010396, OMIM 300672.
Angelman syndrome-like. Identifiers: MedGen CN128785.
CDKL5 disorder. Identifiers: MedGen CN296942, MONDO:0100039.

Allele frequency attached by ClinVar (database versions not stated): TOPMed below 0.00001; gnomAD exomes 0.00001 and 0.00002.
gnomAD v4.1: 8 of 1,211,764 alleles (0.00066%); highest among the groups gnomAD compares: Non-Finnish European, 0.00089%; no homozygotes.

Submissions (4):

ClinGen Rett and Angelman-like Disorders Variant Curation Expert Panel
Classification: Likely benign for CDKL5 disorder. Last evaluated: 2026-01-28. Review status: reviewed by expert panel. Criteria: ClinGen RettAS ACMG Specifications CDKL5 V5.0.0. Collection method: curation. Allele origin: germline. Inheritance: X-linked inheritance.
Comment: The highest population minor allele frequency of the p.Arg539Thr variant in CDKL5 in gnomAD v4.1 is 0.000008934 in the European (non-Finnish) population, which is higher than the ClinGen Rett and Angelman-like Disorders VCEP threshold (≥0.0000083) for BS1, and therefore meets this criterion (BS1). The p.Arg539Thr variant is observed in at least 1 unaffected individual (Labcorp Genetics (formerly Invitae)- internal database) (BS2_Supporting). The p.Arg539Thr variant is found in a patient with an alternate molecular basis of disease (Labcorp Genetics (formerly Invitae)- internal database) (BP5). In summary, the p.Arg539Thr variant in CDKL5 is classified as likely benign based on the ACMG/AMP criteria (BS1, BS2_Supporting, BP5). (CDKL5 Specifications v.5.0; curation approved on 01/28/2026)

Labcorp Genetics (formerly Invitae), Labcorp
Classification: Likely benign for Developmental and epileptic encephalopathy, 2; Angelman syndrome-like. Last evaluated: 2025-08-11. Review status: criteria provided, single submitter. Criteria: Invitae Variant Classification Sherloc (09022015). Collection method: clinical testing. Allele origin: germline. Not counted in ClinVar's aggregate classification.

CeGaT Center for Human Genetics Tuebingen
Classification: Uncertain significance. Last evaluated: 2023-01-01. Review status: criteria provided, single submitter. Criteria: CeGaT Center For Human Genetics Tuebingen Variant Classification Criteria Version 2. Collection method: clinical testing. Allele origin: germline. Affected: yes. Observed: 1 variant allele. Not counted in ClinVar's aggregate classification.
Comment: CDKL5: PM2

MGZ Medical Genetics Center
Classification: Uncertain significance for Developmental and epileptic encephalopathy, 2. Last evaluated: 2021-12-02. Review status: criteria provided, single submitter. Criteria: ACMG Guidelines, 2015. Collection method: clinical testing. Allele origin: germline. Affected: yes. Observed: 1 variant allele. Not counted in ClinVar's aggregate classification.
Comment: ACMG criteria applied: PM2_SUP, BP4

NM_001323289.2(CDKL5):c.1616G>C (p.Arg539Thr)

Gene: CDKL5 (cyclin dependent kinase like 5; plus strand). Cytogenetic location: Xp22.13.
Variant type: single nucleotide variant.
Coding change: c.1616G>C on transcript NM_001323289.2 (MANE Select); coding-DNA position 1616, G replaced by C.
Protein change: p.Arg539Thr; replaces arginine 539 with threonine.
Molecular consequence: missense variant.
Genome position (GRCh38, 1-based): chrX:18,604,540, G>C. VCF-style: chrX-18604540-G-C. GRCh37 (hg19) VCF-style: chrX-18622660-G-C.
Other names: NM_001323289.2(CDKL5):c.1616G>C; p.Arg539Thr; c.1616G>C, p.Arg539Thr (NM_001037343.2, NM_003159.3); short protein forms R539T.
Identifiers: ClinVar variation 1578921 (VCV001578921.35), dbSNP rs1356745875, ClinGen allele CA412361970.